The following is an entry in ClinVar:

ClinVar aggregate classification (germline): Uncertain significance. Review status: criteria provided, multiple submitters, no conflicts (2 of 4 stars). 12 submissions from 7 submitters: Uncertain significance (4). 8 of the submissions do not count toward it. Last evaluated 2026-05-11.

Conditions:
GNAS-related disorder. Identifiers: MedGen CN380105.
Pseudohypoparathyroidism type 1B (PHP1B). Also called: Pseudohypoparathyroidism Type IB; Pseudohypoparathyroidism Ib (PHP-Ib); PHP IB. Identifiers: Orphanet 94089, MedGen C1864100, MONDO:0011301, OMIM 603233.
Pseudohypoparathyroidism type 1C (PHP1C). Also called: PSEUDOHYPOPARATHYROIDISM, TYPE IC; Pseudohypoparathyroidism Ic (PHP-Ic); PHP IC. Identifiers: Orphanet 79444, MedGen C2932716, MONDO:0012911, OMIM 612462.
Pseudohypoparathyroidism type I A (PHP1A). Also called: Pseudohypoparathyroidism Type IA; ALBRIGHT HEREDITARY OSTEODYSTROPHY WITH MULTIPLE HORMONE RESISTANCE; Pseudohypoparathyroidism type 1A; Pseudohypoparathyroidism Ia (PHP-Ia); PHP IA. Identifiers: Orphanet 79443, MedGen C3494506, MONDO:0007078, OMIM 103580.
Progressive osseous heteroplasia (POH). Also called: Osteoma cutis; Osseus Heteroplasia, Progressive; ECTOPIC OSSIFICATION, FAMILIAL; Progressive Osseus Heteroplasia (POH). Identifiers: Orphanet 2762, MedGen C0334041, MONDO:0008153, OMIM 166350, HP:0025027.
Pseudopseudohypoparathyroidism (PPHP). Also called: Pseudopseudohypoparathyroidism (PPHP); ALBRIGHT HEREDITARY OSTEODYSTROPHY WITHOUT MULTIPLE HORMONE RESISTANCE. Identifiers: Orphanet 79445, MedGen C0033835, MONDO:0012912, OMIM 612463.
McCune-Albright syndrome (MAS). Also called: Albright's Syndrome; Albright's disease; ALBRIGHT SYNDROME; Fibrous Dysplasia / McCune-Albright Syndrome; McCune-Albright syndrome, somatic, mosaic. Identifiers: Orphanet 562, MedGen C0242292, MONDO:0018919, OMIM 174800.
Pituitary adenoma 3, multiple types. Also called: PITUITARY ADENOMA 3, ACTH-SECRETING, SOMATIC; PITUITARY ADENOMA 3, GROWTH HORMONE-SECRETING, SOMATIC. Identifiers: MedGen C4540135, MONDO:0054665, OMIM 617686.
ACTH-independent macronodular adrenal hyperplasia 1 (AIMAH1). Also called: CUSHING SYNDROME, ADRENAL, DUE TO AIMAH; ACTH-INDEPENDENT MACRONODULAR ADRENOCORTICAL HYPERPLASIA; ADRENOCORTICOTROPIC HORMONE-INDEPENDENT MACRONODULAR ADRENAL HYPERPLASIA; CORTICOTROPIN-INDEPENDENT MACRONODULAR ADRENAL HYPERPLASIA; ACTH-independent macronodular adrenal hyperplasia, somatic. Identifiers: MedGen C1857451, MONDO:0020735, OMIM 219080.
Pseudohypoparathyroidism (PHP1A). Identifiers: Orphanet 79443, Orphanet 97593, MedGen C0033806, MONDO:0019992, HP:0000852.

Allele frequency attached by ClinVar (database versions not stated): gnomAD 0.00007 and 0.00008; TOPMed 0.00007; gnomAD exomes 0.00010 and 0.00022; ExAC 0.00011; ESP Exome Variant Server 0.00041.
gnomAD v4.1: 320 of 1,608,430 alleles (0.02%); highest among the groups gnomAD compares: Non-Finnish European, 0.026%; no homozygotes.

Submissions (12):

PreventionGenetics, part of Exact Sciences
Classification: Uncertain significance for GNAS-related condition. Last evaluated: 2026-05-11. Review status: criteria provided, single submitter. Criteria: ACMG Guidelines, 2015. Collection method: clinical testing. Allele origin: germline.
Comment: The GNAS c.538C>T variant is predicted to result in premature protein termination (p.Gln180*). In the primary transcript of the GNAS gene (NM_000516.5), this variant is located in the 5’ untranslated region (UTR) and is defined as c.-37924C>T. To our knowledge, this variant has not been reported in the literature. Although truncating variants in GNAS are a known mechanism of disease, these variants are all reported in the primary transcript (NM_000516.5). The c.538C>T variant is located in exon 1 of transcript NM_080425.3 and, to our knowledge, no other protein truncating variants have been reported in this exon (Human Gene Mutation Database). At this time, the clinical significance of this variant is uncertain due to the absence of conclusive functional and genetic evidence.

Women's Health and Genetics/Laboratory Corporation of America, LabCorp
Classification: Uncertain significance. Last evaluated: 2025-02-10. Review status: criteria provided, single submitter. Criteria: LabCorp Variant Classification Summary - May 2015. Collection method: clinical testing. Allele origin: germline.
Comment: Variant summary: GNAS c.-37924C>T is located in the untranscribed region upstream of the GNAS gene region. The variant allele was found at a frequency of 0.0001 in 236042 control chromosomes. This frequency is not significantly higher than estimated for a pathogenic variant in GNAS causing GNAS-Related Disorders, allowing no conclusion about variant significance. To our knowledge, no occurrence of c.-37924C>T in individuals affected with GNAS-Related Disorders and no experimental evidence demonstrating its impact on protein function have been reported. ClinVar contains an entry for this variant (Variation ID: 1048823). Based on the evidence outlined above, the variant was classified as uncertain significance.

Fulgent Genetics
Classification: Uncertain significance for Pseudohypoparathyroidism type I A; Progressive osseous heteroplasia; McCune-Albright syndrome; ACTH-independent macronodular adrenal hyperplasia 1; Pseudohypoparathyroidism type 1B; Pseudohypoparathyroidism type 1C; Pseudopseudohypoparathyroidism; Pituitary adenoma 3, multiple types. Last evaluated: 2022-05-18. Review status: criteria provided, single submitter. Criteria: ACMG Guidelines, 2015. Collection method: clinical testing. Allele origin: unknown.

Department of Pathology and Laboratory Medicine, Sinai Health System
Classification: Uncertain significance for Pseudohypoparathyroidism type 1B; Pseudopseudohypoparathyroidism; Pseudohypoparathyroidism type I A; Pseudohypoparathyroidism type 1C; Progressive osseous heteroplasia. Last evaluated: 2021-07-30. Review status: criteria provided, single submitter. Criteria: ACMG Guidelines, 2015. Collection method: research. Allele origin: germline.

Clinical Genetics DNA and cytogenetics Diagnostics Lab, Erasmus MC, Erasmus Medical Center
Classification: Uncertain significance. Review status: no assertion criteria provided. Collection method: clinical testing. Allele origin: germline. Affected: yes. Study: VKGL Data-share Consensus. Not counted in ClinVar's aggregate classification.

Clinical Genetics, Academic Medical Center
Classification: Uncertain significance. Review status: no assertion criteria provided. Collection method: clinical testing. Allele origin: germline. Affected: yes. Study: VKGL Data-share Consensus. Not counted in ClinVar's aggregate classification.

Department of Pathology and Laboratory Medicine, Sinai Health System
Classification: Uncertain significance for Pseudohypoparathyroidism type 1B. Review status: no assertion criteria provided. Collection method: clinical testing. Allele origin: unknown. Affected: yes. Study: The Canadian Open Genetics Repository (COGR). Not counted in ClinVar's aggregate classification.
Comment: The GNAS p.Q180* variant was identified in the literature in a cohort of 379,768 UK Biobank participants of European ancestry at a minor allele frequency of 0.03063 and was classified as a benign variant for albright hereditary osteodystrophy (Wright_2019_PMID_30665703). The variant was identified in dbSNP (ID: rs200910410) but was not identified in ClinVar. The variant was identified in control databases in 28 of 267434 chromosomes at a frequency of 0.0001047, where it was observed only in the European (non-Finnish) population in 28 of 121272 chromosomes (freq: 0.0002309) (Genome Aggregation Database March 6, 2019, v2.1.1). The c.538C>T variant leads to a premature stop codon at position 180 which is predicted to lead to a truncated or absent protein and loss of function. Loss of function variants of the GNAS gene are an established mechanism of disease in progressive osseous heteroplasia, Pseudohypoparathyroidism Ib, Pseudohypoparathyroidism Ia and is the type of variant expected to cause the disorder. However, the frequency of this loss of function variant is greater than expected for these conditions. In summary, based on the above information the clinical significance of this variant cannot be determined with certainty at this time. This variant is classified as a variant of uncertain significance.

Department of Pathology and Laboratory Medicine, Sinai Health System
Classification: Uncertain significance for Progressive osseous heteroplasia. Review status: no assertion criteria provided. Collection method: clinical testing. Allele origin: unknown. Affected: yes. Study: The Canadian Open Genetics Repository (COGR). Not counted in ClinVar's aggregate classification.
Comment: the same text as in the submission from Department of Pathology and Laboratory Medicine, Sinai Health System above.

Department of Pathology and Laboratory Medicine, Sinai Health System
Classification: Uncertain significance for Pseudohypoparathyroidism type 1C. Review status: no assertion criteria provided. Collection method: clinical testing. Allele origin: unknown. Affected: yes. Study: The Canadian Open Genetics Repository (COGR). Not counted in ClinVar's aggregate classification.
Comment: the same text as in the submission from Department of Pathology and Laboratory Medicine, Sinai Health System above.

Department of Pathology and Laboratory Medicine, Sinai Health System
Classification: Uncertain significance for Pseudopseudohypoparathyroidism. Review status: no assertion criteria provided. Collection method: clinical testing. Allele origin: unknown. Inheritance: Autosomal dominant inheritance. Affected: yes. Study: The Canadian Open Genetics Repository (COGR). Not counted in ClinVar's aggregate classification.
Comment: the same text as in the submission from Department of Pathology and Laboratory Medicine, Sinai Health System above.

Department of Pathology and Laboratory Medicine, Sinai Health System
Classification: Uncertain significance for Pseudohypoparathyroidism type I A. Review status: no assertion criteria provided. Collection method: clinical testing. Allele origin: unknown. Affected: yes. Study: The Canadian Open Genetics Repository (COGR). Not counted in ClinVar's aggregate classification.
Comment: the same text as in the submission from Department of Pathology and Laboratory Medicine, Sinai Health System above.

Joint Genome Diagnostic Labs from Nijmegen and Maastricht, Radboudumc and MUMC+
Classification: Uncertain significance. Review status: no assertion criteria provided. Collection method: clinical testing. Allele origin: germline. Affected: yes. Study: VKGL Data-share Consensus. Not counted in ClinVar's aggregate classification.

NM_080425.4(GNAS):c.538C>T (p.Gln180Ter)

Gene: GNAS (GNAS complex locus; plus strand). Cytogenetic location: 20q13.32.
Variant type: single nucleotide variant.
Coding change: c.538C>T on transcript NM_080425.4 (MANE Plus Clinical); coding-DNA position 538, C replaced by T.
Protein change: p.Gln180Ter; replaces glutamine 180 with a stop codon.
Molecular consequence: nonsense. On other transcripts: synonymous variant (2), intron variant (3), genic upstream transcript variant (1).
Genome position (GRCh38, 1-based): chr20:58,853,803, C>T. VCF-style: chr20-58853803-C-T. GRCh37 (hg19) VCF-style: chr20-57428858-C-T.
Other names: c.351C>T, p.Tyr117= (NM_001077490.3, NM_001309883.1); c.538C>T, p.Gln180Ter (NM_001410913.1); c.*42+12917C>T (NM_016592.5); c.43+12917C>T (NM_001410912.1); c.-39+11928C>T (NM_001309861.2); c.-37924C>T (NM_000516.7); short protein forms Q180*.
Identifiers: ClinVar variation 1048823 (VCV001048823.14), dbSNP rs200910410, ClinGen allele CA9926489.